The following is an entry in ClinVar:

ClinVar aggregate classification (germline): Uncertain significance. Review status: criteria provided, multiple submitters, no conflicts (2 of 4 stars). 2 submissions from 2 submitters: Uncertain significance (2). Last evaluated 2025-06-23.

Conditions:
Emery-Dreifuss muscular dystrophy 5, autosomal dominant (EDMD5). Also called: EMERY-DREIFUSS MUSCULAR DYSTROPHY 5. Identifiers: Orphanet 261, MedGen C2751805, MONDO:0013072, OMIM 612999.

Allele frequency attached by ClinVar (database versions not stated): ExAC 0.00003.
gnomAD v4.1: 37 of 1,613,566 alleles (0.0023%); highest among the groups gnomAD compares: Middle Eastern, 0.016%; no homozygotes.

Submissions (2):

Ambry Genetics
Classification: Uncertain significance. Last evaluated: 2025-06-23. Review status: criteria provided, single submitter. Criteria: Ambry Variant Classification Scheme 2023. Collection method: clinical testing. Allele origin: germline.

Labcorp Genetics (formerly Invitae), Labcorp
Classification: Uncertain significance for Emery-Dreifuss muscular dystrophy 5, autosomal dominant. Last evaluated: 2025-06-22. Review status: criteria provided, single submitter. Criteria: Invitae Variant Classification Sherloc (09022015). Collection method: clinical testing. Allele origin: germline.
Comment: This sequence change replaces glutamine, which is neutral and polar, with histidine, which is basic and polar, at codon 2236 of the SYNE2 protein (p.Gln2236His). This variant is present in population databases (rs762273610, gnomAD 0.01%). This variant has not been reported in the literature in individuals affected with SYNE2-related conditions. ClinVar contains an entry for this variant (Variation ID: 1947520). An algorithm developed to predict the effect of missense changes on protein structure and function (PolyPhen-2) suggests that this variant is likely to be disruptive. In summary, the available evidence is currently insufficient to determine the role of this variant in disease. Therefore, it has been classified as a Variant of Uncertain Significance.

NM_182914.3(SYNE2):c.6708A>C (p.Gln2236His)

Gene: SYNE2 (spectrin repeat containing nuclear envelope protein 2; plus strand). Cytogenetic location: 14q23.2.
Variant type: single nucleotide variant.
Coding change: c.6708A>C on transcript NM_182914.3 (MANE Select); coding-DNA position 6708, A replaced by C.
Protein change: p.Gln2236His; replaces glutamine 2236 with histidine.
Molecular consequence: missense variant.
Genome position (GRCh38, 1-based): chr14:64,027,787, A>C. VCF-style: chr14-64027787-A-C. GRCh37 (hg19) VCF-style: chr14-64494505-A-C.
Other names: c.6708A>C (NM_182914.2); c.6708A>C, p.Gln2236His (NM_015180.6); short protein forms Q2236H.
Identifiers: ClinVar variation 1947520 (VCV001947520.6), dbSNP rs762273610, ClinGen allele CA7220747.